The following is an entry in ClinVar:

NM_001134831.2(AHI1):c.272A>G (p.Lys91Arg)

Gene: AHI1 (Abelson helper integration site 1; minus strand). Cytogenetic location: 6q23.3.
Variant type: single nucleotide variant.
Coding change: c.272A>G on transcript NM_001134831.2 (MANE Select); coding-DNA position 272, A replaced by G.
Protein change: p.Lys91Arg; replaces lysine 91 with arginine.
Molecular consequence: missense variant.
Genome position (GRCh38, 1-based): chr6:135,466,291, T>C on the plus strand (A>G on the coding strand, the complement: AHI1 is on the minus strand). VCF-style: chr6-135466291-T-C. GRCh37 (hg19) VCF-style: chr6-135787429-T-C.
Other names: c.272A>G, p.Lys91Arg (NM_001134830.2, NM_001134832.2, NM_001350503.2 and 2 more transcripts); short protein forms K91R.
Identifiers: ClinVar variation 2110034 (VCV002110034.1), dbSNP rs757196052, ClinGen allele CA4012862.

ClinVar aggregate classification (germline): Uncertain significance (1 of 4 stars; one submission).

Conditions:
Joubert syndrome. Also called: CEREBELLOPARENCHYMAL DISORDER IV; JOUBERT-BOLTSHAUSER SYNDROME; Familial aplasia of the vermis. Identifiers: Orphanet 475, MedGen C5979921, MONDO:0018772.

Allele frequency attached by ClinVar (database versions not stated): ExAC 0.00001; gnomAD exomes below 0.00001.
gnomAD v4.1: 3 of 1,614,004 alleles (0.00019%); highest among the groups gnomAD compares: East Asian, 0.0022%; no homozygotes.

Submission:

Labcorp Genetics (formerly Invitae), Labcorp
Classification: Uncertain significance for Joubert syndrome. Last evaluated: 2022-10-17. Review status: criteria provided, single submitter. Criteria: Invitae Variant Classification Sherloc (09022015). Collection method: clinical testing. Allele origin: germline.
Comment: This sequence change replaces lysine, which is basic and polar, with arginine, which is basic and polar, at codon 91 of the AHI1 protein (p.Lys91Arg). This variant is present in population databases (rs757196052, gnomAD 0.0009%). This variant has not been reported in the literature in individuals affected with AHI1-related conditions. Advanced modeling of protein sequence and biophysical properties (such as structural, functional, and spatial information, amino acid conservation, physicochemical variation, residue mobility, and thermodynamic stability) performed at Invitae indicates that this missense variant is not expected to disrupt AHI1 protein function. In summary, the available evidence is currently insufficient to determine the role of this variant in disease. Therefore, it has been classified as a Variant of Uncertain Significance.